The following is an entry in ClinVar:

ClinVar aggregate classification (germline): Benign/Likely benign. Review status: criteria provided, multiple submitters, no conflicts (2 of 4 stars). 3 submissions from 3 submitters: Benign (1); Likely benign (2). Last evaluated 2025-11-03.

Conditions:
Prostate cancer, hereditary, 9 (HPC9). Identifiers: Orphanet 1331, MedGen C1970250, MONDO:0012597, OMIM 610997.
Hereditary cancer-predisposing syndrome. Also called: Neoplastic Syndromes, Hereditary; Tumor predisposition; Hereditary neoplastic syndrome; Hereditary Cancer Syndrome. Identifiers: Orphanet 140162, MedGen C0027672, MeSH D009386, MONDO:0015356.

gnomAD v4.1: 3 of 1,614,192 alleles (0.00019%); highest among the groups gnomAD compares: South Asian, 0.0033%; no homozygotes.

Submissions (3):

Labcorp Genetics (formerly Invitae), Labcorp
Classification: Likely benign. Last evaluated: 2025-11-03. Review status: criteria provided, single submitter. Criteria: Invitae Variant Classification Sherloc (09022015). Collection method: clinical testing. Allele origin: germline.

Myriad Genetics, Inc.
Classification: Benign for Prostate cancer, hereditary, 9. Last evaluated: 2024-10-29. Review status: criteria provided, single submitter. Criteria: Myriad Autosomal Dominant, Autosomal Recessive and X-Linked Classification Criteria (2023). Collection method: clinical testing. Allele origin: unknown.
Comment: This variant is considered benign. This variant is a silent/synonymous amino acid change and it is not expected to impact splicing.

Ambry Genetics
Classification: Likely benign for Hereditary cancer-predisposing syndrome. Last evaluated: 2018-08-25. Review status: criteria provided, single submitter. Criteria: Ambry Variant Classification Scheme 2023. Collection method: clinical testing. Allele origin: germline.

NM_006361.6(HOXB13):c.351G>C (p.Gly117=)

Gene: HOXB13 (homeobox B13; minus strand). Cytogenetic location: 17q21.32.
Variant type: single nucleotide variant.
Coding change: c.351G>C on transcript NM_006361.6 (MANE Select); coding-DNA position 351, G replaced by C.
Protein change: p.Gly117=; no amino-acid change (glycine 117 retained).
Molecular consequence: synonymous variant.
Genome position (GRCh38, 1-based): chr17:48,728,243, C>G on the plus strand (G>C on the coding strand, the complement: HOXB13 is on the minus strand). VCF-style: chr17-48728243-C-G. GRCh37 (hg19) VCF-style: chr17-46805605-C-G.
Identifiers: ClinVar variation 823879 (VCV000823879.13), dbSNP rs1597934408, ClinGen allele CA500661861.